The following is an entry in ClinVar:

ClinVar aggregate classification (germline): Conflicting classifications of pathogenicity. Review status: criteria provided, conflicting classifications (1 of 4 stars). 6 submissions from 6 submitters: Uncertain significance (1); Likely benign (5). Last evaluated 2026-01-31.

Conditions:
Familial thoracic aortic aneurysm and aortic dissection (TAAD). Also called: Thoracic aortic aneurysms and dissections. Identifiers: Orphanet 91387, MedGen C4707243, MONDO:0019625.
Classic homocystinuria. Also called: HOMOCYSTINURIA WITH OR WITHOUT RESPONSE TO PYRIDOXINE; Homocystinuria due to Cystathionine Beta-Synthase Deficiency; Homocystinuria due to CBS deficiency; Cystathionine beta-synthase deficiency; CBS deficiency. Identifiers: Orphanet 394, MedGen C0751202, MONDO:0009352, OMIM 236200.
HYPERHOMOCYSTEINEMIA, THROMBOTIC, CBS-RELATED. Identifiers: MedGen C3150344, OMIM 236200.

Allele frequency attached by ClinVar (database versions not stated): gnomAD 0.00006; ESP Exome Variant Server 0.00015; ExAC 0.00026; gnomAD exomes 0.00026; 1000 Genomes Project 0.00040.

Submissions (6):

Labcorp Genetics (formerly Invitae), Labcorp
Classification: Likely benign for HYPERHOMOCYSTEINEMIA, THROMBOTIC, CBS-RELATED. Last evaluated: 2026-01-31. Review status: criteria provided, single submitter. Criteria: Invitae Variant Classification Sherloc (09022015). Collection method: clinical testing. Allele origin: germline.

Mayo Clinic Laboratories, Mayo Clinic
Classification: Likely benign. Last evaluated: 2025-06-25. Review status: criteria provided, single submitter. Criteria: ACMG Guidelines, 2015. Collection method: clinical testing. Allele origin: germline. Observed: 1 variant allele.
Comment: BP4, BP7

Blueprint Genetics
Classification: Likely benign. Last evaluated: 2024-08-29. Review status: criteria provided, single submitter. Criteria: ACMG Guidelines, 2015. Collection method: clinical testing. Allele origin: germline.

Illumina Laboratory Services, Illumina
Classification: Uncertain significance for Classic homocystinuria. Last evaluated: 2018-01-13. Review status: criteria provided, single submitter. Criteria: ICSL Variant Classification Criteria 13 December 2019. Collection method: clinical testing. Allele origin: germline.

GeneDx
Classification: Likely benign. Last evaluated: 2017-11-03. Review status: criteria provided, single submitter. Criteria: GeneDx Variant Classification (06012015). Collection method: clinical testing. Allele origin: germline. Affected: yes.
Comment: This variant is considered likely benign or benign based on one or more of the following criteria: it is a conservative change, it occurs at a poorly conserved position in the protein, it is predicted to be benign by multiple in silico algorithms, and/or has population frequency not consistent with disease.

Ambry Genetics
Classification: Likely benign for Familial thoracic aortic aneurysm and aortic dissection. Last evaluated: 2016-02-22. Review status: criteria provided, single submitter. Criteria: Ambry Variant Classification Scheme 2023. Collection method: clinical testing. Allele origin: germline.

NM_000071.3(CBS):c.1425G>A (p.Pro475=)

Gene: CBS (cystathionine beta-synthase; minus strand). Cytogenetic location: 21q22.3.
Variant type: single nucleotide variant.
Coding change: c.1425G>A on transcript NM_000071.3 (MANE Select); coding-DNA position 1425, G replaced by A.
Protein change: p.Pro475=; no amino-acid change (proline 475 retained).
Molecular consequence: synonymous variant.
Genome position (GRCh38, 1-based): chr21:43,058,187, C>T on the plus strand (G>A on the coding strand, the complement: CBS is on the minus strand). VCF-style: chr21-43058187-C-T. GRCh37 (hg19) VCF-style: chr21-44478297-C-T.
Other names: p.Pro475=; c.1425G>A, p.Pro475= (NM_001178008.3, NM_001178009.3, NM_001320298.2); c.1110G>A, p.Pro370= (NM_001321072.1).
Identifiers: ClinVar variation 413353 (VCV000413353.23), dbSNP rs147885808, ClinGen allele CA16616532.